The following is an entry in ClinVar:

NM_005412.6(SHMT2):c.121_122del (p.Arg41fs)

Gene: SHMT2 (serine hydroxymethyltransferase 2; plus strand). Cytogenetic location: 12q13.3.
Variant type: Deletion.
Coding change: c.121_122del on transcript NM_005412.6 (MANE Select); coding-DNA positions 121 to 122, 2 bases deleted (AG; older notation c.121_122delAG).
Protein change: p.Arg41fs; shifts the reading frame from arginine 41.
Molecular consequence: frameshift variant. On other transcripts: non-coding transcript variant (4).
Genome position (GRCh38, 1-based): chr12:57,230,890-57,230,891, AG deleted. VCF-style (leftmost placement, unchanged base first): chr12-57230889-CAG-C. GRCh37 (hg19) VCF-style: chr12-57624672-CAG-C.
Other names: c.121_122del, p.Arg41fs (NM_001166356.2); c.58_59del, p.Arg20fs (NM_001166357.1, NM_001166358.2, NM_001166359.1); c.121_122delAG (NM_005412.6); short protein forms R20fs, R41fs.
Identifiers: ClinVar variation 3063886 (VCV003063886.1), dbSNP rs761732423, ClinGen allele CA6646265.

ClinVar aggregate classification (germline): Uncertain significance (1 of 4 stars; one submission).

Allele frequency attached by ClinVar (database versions not stated): gnomAD exomes 0.00001; gnomAD 0.00003; TOPMed 0.00003; ExAC 0.00004.

Submission:

Women's Health and Genetics/Laboratory Corporation of America, LabCorp
Classification: Uncertain significance. Last evaluated: 2024-01-12. Review status: criteria provided, single submitter. Criteria: LabCorp Variant Classification Summary - May 2015. Collection method: clinical testing. Allele origin: germline.
Comment: Variant summary: SHMT2 c.121_122delAG (p.Arg41GlyfsX12) results in a premature termination codon, predicted to cause absence of the protein due to nonsense mediated decay, however current evidence is not sufficient to establish loss-of-function variants in SHMT2 as causative of disease. The variant allele was found at a frequency of 2.4e-05 in 251418 control chromosomes (gnomAD). The available data on variant occurrences in the general population are insufficient to allow any conclusion about variant significance. To our knowledge, no occurrence of c.121_122delAG in individuals affected with Neurodevelopmental Disorder With Cardiomyopathy, Spasticity, And Brain Abnormalities and no experimental evidence demonstrating its impact on protein function have been reported. No submitters have cited clinical-significance assessments for this variant to ClinVar. Based on the evidence outlined above, the variant was classified as uncertain significance.